The following is an entry in ClinVar:

ClinVar aggregate classification (germline): Likely benign. Review status: criteria provided, single submitter (1 of 4 stars). 2 submissions from 2 submitters: Likely benign (1). 1 of the submissions does not count toward it. Last evaluated 2025-07-19.

Conditions:
AUTS2-related disorder. Also called: AUTS2-related condition.

Allele frequency attached by ClinVar (database versions not stated): gnomAD 0.00003; ExAC 0.00002; TOPMed 0.00008.
gnomAD v4.1: 29 of 1,613,810 alleles (0.0018%); highest among the groups gnomAD compares: Admixed American, 0.005%; no homozygotes.

Submissions (2):

Labcorp Genetics (formerly Invitae), Labcorp
Classification: Likely benign. Last evaluated: 2025-07-19. Review status: criteria provided, single submitter. Criteria: Invitae Variant Classification Sherloc (09022015). Collection method: clinical testing. Allele origin: germline.

PreventionGenetics, part of Exact Sciences
Classification: Uncertain significance for AUTS2-related condition. Last evaluated: 2023-11-21. Review status: no assertion criteria provided. Collection method: clinical testing. Allele origin: germline. Not counted in ClinVar's aggregate classification.
Comment: The AUTS2 c.2240C>T variant is predicted to result in the amino acid substitution p.Pro747Leu. To our knowledge, this variant has not been reported in the literature. This variant is reported in 0.0026% of alleles in individuals of European (Non-Finnish) descent in gnomAD. At this time, the clinical significance of this variant is uncertain due to the absence of conclusive functional and genetic evidence.

NM_015570.4(AUTS2):c.2240C>T (p.Pro747Leu)

Gene: AUTS2 (activator of transcription and developmental regulator AUTS2; plus strand). Cytogenetic location: 7q11.22.
Variant type: single nucleotide variant.
Coding change: c.2240C>T on transcript NM_015570.4 (MANE Select); coding-DNA position 2240, C replaced by T.
Protein change: p.Pro747Leu; replaces proline 747 with leucine.
Molecular consequence: missense variant.
Genome position (GRCh38, 1-based): chr7:70,785,970, C>T. VCF-style: chr7-70785970-C-T. GRCh37 (hg19) VCF-style: chr7-70250956-C-T.
Other names: c.2168C>T, p.Pro723Leu (NM_001127231.3); short protein forms P723L, P747L.
Identifiers: ClinVar variation 2629027 (VCV002629027.6), dbSNP rs759994021, ClinGen allele CA4280997.
Genomic context (GRCh38, chr7:70,785,970, plus strand): 5'-CAGCAGAGCCCCTGACCATTTCCTTCTTCCCCATCTTGTTTGCAGAGCCTTTTAATCGGC[C>T]GTCTACATTCACAGGCCTAGCAGCAGTTGGTGGCAATGCCTTCGGGGGACTTGGAAATCC-3'
Protein context (NP_056385.1, residues 737-757): PAAHLEPFNR[Pro747Leu]STFTGLAAVG